The following is an entry in ClinVar:

NM_017780.4(CHD7):c.7433T>C (p.Phe2478Ser)

Gene: CHD7 (chromodomain helicase DNA binding protein 7; plus strand). Cytogenetic location: 8q12.2.
Variant type: single nucleotide variant.
Coding change: c.7433T>C on transcript NM_017780.4 (MANE Select); coding-DNA position 7433, T replaced by C.
Protein change: p.Phe2478Ser; replaces phenylalanine 2478 with serine.
Molecular consequence: missense variant. On other transcripts: intron variant (1).
Genome position (GRCh38, 1-based): chr8:60,856,713, T>C. VCF-style: chr8-60856713-T-C. GRCh37 (hg19) VCF-style: chr8-61769272-T-C.
Other names: c.1717-5516T>C (NM_001316690.1); short protein forms F2478S.
Identifiers: ClinVar variation 3369581 (VCV003369581.1).

ClinVar aggregate classification (germline): Uncertain significance (1 of 4 stars; one submission).

gnomAD v4.1: 11 of 1,613,918 alleles (0.00068%); highest among the groups gnomAD compares: South Asian, 0.0011%; no homozygotes.

Submission:

GeneDx
Classification: Uncertain significance. Last evaluated: 2024-02-23. Review status: criteria provided, single submitter. Criteria: GeneDx Variant Classification Process June 2021. Collection method: clinical testing. Allele origin: germline. Affected: yes.
Comment: Not observed at significant frequency in large population cohorts (gnomAD); In silico analysis supports that this missense variant does not alter protein structure/function; Has not been previously published as pathogenic or benign to our knowledge